The following is an entry in ClinVar:

NM_003072.5(SMARCA4):c.1978A>C (p.Ser660Arg)

Gene: SMARCA4 (SWI/SNF related BAF chromatin remodeling complex subunit ATPase 4; plus strand). Cytogenetic location: 19p13.2.
Variant type: single nucleotide variant.
Coding change: c.1978A>C on transcript NM_003072.5 (MANE Select); coding-DNA position 1978, A replaced by C.
Protein change: p.Ser660Arg; replaces serine 660 with arginine.
Molecular consequence: missense variant. On other transcripts: non-coding transcript variant (1).
Genome position (GRCh38, 1-based): chr19:11,003,374, A>C. VCF-style: chr19-11003374-A-C. GRCh37 (hg19) VCF-style: chr19-11114050-A-C.
Other names: c.1978A>C, p.Ser660Arg (NM_001128844.3, NM_001128845.2, NM_001128846.2 and 4 more transcripts); short protein forms S660R.
Identifiers: ClinVar variation 953359 (VCV000953359.9), dbSNP rs2087846584, ClinGen allele CA404052210.

ClinVar aggregate classification (germline): Uncertain significance (1 of 4 stars; one submission).

Conditions:
Rhabdoid tumor predisposition syndrome 2 (RTPS2). Identifiers: Orphanet 231108, Orphanet 69077, MedGen C2750074, MONDO:0013224, OMIM 613325.

Submission:

Labcorp Genetics (formerly Invitae), Labcorp
Classification: Uncertain significance for Rhabdoid tumor predisposition syndrome 2. Last evaluated: 2019-08-08. Review status: criteria provided, single submitter. Criteria: Invitae Variant Classification Sherloc (09022015). Collection method: clinical testing. Allele origin: germline.
Comment: This sequence change replaces serine with arginine at codon 660 of the SMARCA4 protein (p.Ser660Arg). The serine residue is highly conserved and there is a moderate physicochemical difference between serine and arginine. In summary, the available evidence is currently insufficient to determine the role of this variant in disease. Therefore, it has been classified as a Variant of Uncertain Significance. Algorithms developed to predict the effect of missense changes on protein structure and function (SIFT, PolyPhen-2, Align-GVGD) all suggest that this variant is likely to be disruptive, but these predictions have not been confirmed by published functional studies and their clinical significance is uncertain. This variant has not been reported in the literature in individuals with SMARCA4-related conditions. This variant is not present in population databases (ExAC no frequency).